The following is an entry in ClinVar:

ClinVar aggregate classification (germline): Uncertain significance. Review status: criteria provided, multiple submitters, no conflicts (2 of 4 stars). 3 submissions from 3 submitters: Uncertain significance (3). Last evaluated 2024-12-11.

Conditions:
Naxos disease (NXD). Also called: CARDIOMYOPATHY, ARRHYTHMOGENIC RIGHT VENTRICULAR, WITH SKIN, HAIR, AND NAIL ABNORMALITIES; WOOLLY HAIR, PALMOPLANTAR KERATODERMA, AND CARDIAC ABNORMALITIES; KERATOSIS PALMOPLANTARIS WITH ARRHYTHMOGENIC CARDIOMYOPATHY; MAL DE NAXOS; PALMOPLANTAR KERATODERMA WITH ARRHYTHMOGENIC RIGHT VENTRICULAR CARDIOMYOPATHY AND WOOLLY HAIR. Identifiers: Orphanet 34217, MedGen C1832600, MONDO:0011017, OMIM 601214.
Arrhythmogenic right ventricular dysplasia 12. Also called: ARRHYTHMOGENIC RIGHT VENTRICULAR DYSPLASIA, FAMILIAL, 12. Identifiers: MedGen C1969081, MONDO:0012684, OMIM 611528.
Cardiovascular phenotype. Identifiers: MedGen CN230736.

Allele frequency attached by ClinVar (database versions not stated): gnomAD exomes below 0.00001.

Submissions (3):

Labcorp Genetics (formerly Invitae), Labcorp
Classification: Uncertain significance for Arrhythmogenic right ventricular dysplasia 12; Naxos disease. Last evaluated: 2024-12-11. Review status: criteria provided, single submitter. Criteria: Invitae Variant Classification Sherloc (09022015). Collection method: clinical testing. Allele origin: germline.
Comment: This sequence change replaces phenylalanine, which is neutral and non-polar, with serine, which is neutral and polar, at codon 244 of the JUP protein (p.Phe244Ser). This variant is not present in population databases (gnomAD no frequency). This variant has not been reported in the literature in individuals affected with JUP-related conditions. ClinVar contains an entry for this variant (Variation ID: 961543). An algorithm developed to predict the effect of missense changes on protein structure and function (PolyPhen-2) suggests that this variant is likely to be disruptive. In summary, the available evidence is currently insufficient to determine the role of this variant in disease. Therefore, it has been classified as a Variant of Uncertain Significance.

Ambry Genetics
Classification: Uncertain significance for Cardiovascular phenotype. Last evaluated: 2023-05-04. Review status: criteria provided, single submitter. Criteria: Ambry Variant Classification Scheme 2023. Collection method: clinical testing. Allele origin: germline.

GeneDx
Classification: Uncertain significance. Last evaluated: 2015-03-03. Review status: criteria provided, single submitter. Criteria: GeneDx Variant Classification Process June 2021. Collection method: clinical testing. Allele origin: germline. Affected: yes.
Comment: Not observed in large population cohorts (Lek et al., 2016); In silico analysis, which includes protein predictors and evolutionary conservation, supports a deleterious effect; Has not been previously published as pathogenic or benign to our knowledge

NM_002230.4(JUP):c.731T>C (p.Phe244Ser)

Gene: JUP (junction plakoglobin; minus strand). Cytogenetic location: 17q21.2.
Variant type: single nucleotide variant.
Coding change: c.731T>C on transcript NM_002230.4 (MANE Select); coding-DNA position 731, T replaced by C.
Protein change: p.Phe244Ser; replaces phenylalanine 244 with serine.
Molecular consequence: missense variant.
Genome position (GRCh38, 1-based): chr17:41,767,557, A>G on the plus strand (T>C on the coding strand, the complement: JUP is on the minus strand). VCF-style: chr17-41767557-A-G. GRCh37 (hg19) VCF-style: chr17-39923809-A-G.
Other names: c.731T>C, p.Phe244Ser (NM_001352773.2, NM_001352774.2, NM_001352775.2 and 3 more transcripts); short protein forms F244S.
Identifiers: ClinVar variation 961543 (VCV000961543.14), dbSNP rs1915926866, ClinGen allele CA399501682.
Genomic context (GRCh38, chr17:41,767,557, plus strand): 5'-ACGGCCATCTTGGCGCCCTCCTGGTACAGGAGCAGGTTGTGCAGCGTGGTGATGGCATAG[A>G]ACAGGACCGACTCCACAGGGGAGCTGGGGGGGTGGGCAGGGGTTAGTACGCTGAGGTCCC-3'
Protein context (NP_002221.1, residues 234-254): MLSSPVESVL[Phe244Ser]YAITTLHNLL